The following is an entry in ClinVar:

NM_004656.4(BAP1):c.2057-4G>T

Gene: BAP1 (BRCA1 associated deubiquitinase 1; minus strand). Cytogenetic location: 3p21.1.
Variant type: single nucleotide variant.
Coding change: c.2057-4G>T on transcript NM_004656.4 (MANE Select); 4 bases into the intron before coding-DNA position 2057, G replaced by T.
Molecular consequence: intron variant.
Genome position (GRCh38, 1-based): chr3:52,402,425, C>A on the plus strand (G>T on the coding strand, the complement: BAP1 is on the minus strand). VCF-style: chr3-52402425-C-A. GRCh37 (hg19) VCF-style: chr3-52436441-C-A.
Other names: p.?; c.2057-4G>T (LRG_529t1).
Identifiers: ClinVar variation 240055 (VCV000240055.77), dbSNP rs149499021, ClinGen allele CA2436596.

ClinVar aggregate classification (germline): Conflicting classifications of pathogenicity. Review status: criteria provided, conflicting classifications (1 of 4 stars). 21 submissions from 20 submitters: Uncertain significance (1); Benign (11); Likely benign (6). 3 of the submissions do not count toward it. Last evaluated 2026-08-01.

Conditions:
Kury-Isidor syndrome (KURIS). Identifiers: MedGen C5676925, MONDO:0859230, OMIM 619762.
BAP1-related tumor predisposition syndrome (TPDS1). Also called: COMMON Syndrome; TUMOR PREDISPOSITION SYNDROME 1; BAP1 tumor predisposition syndrome; Tumor susceptibility linked to germline BAP1 mutations. Identifiers: Orphanet 289539, MedGen C3280492, MONDO:0013692, OMIM 614327.
Melanoma, uveal, susceptibility to, 2 (UVM2). Also called: Melanoma, uveal 2. Identifiers: Orphanet 39044, MedGen C1847723, MONDO:0011696, OMIM 606661.
Hereditary cancer-predisposing syndrome. Also called: Hereditary neoplastic syndrome; Hereditary Cancer Syndrome; Neoplastic Syndromes, Hereditary; Tumor predisposition. Identifiers: Orphanet 140162, MedGen C0027672, MeSH D009386, MONDO:0015356.

Allele frequency attached by ClinVar (database versions not stated): 1000 Genomes Project 0.00280; 1000 Genomes Project 30x 0.00328; gnomAD 0.00433; ESP Exome Variant Server 0.00510; TOPMed 0.00537.

Submissions (21):

CeGaT Center for Human Genetics Tuebingen
Classification: Likely benign. Last evaluated: 2026-08-01. Review status: criteria provided, single submitter. Criteria: CeGaT Center For Human Genetics Tuebingen Variant Classification Criteria Version 2. Collection method: clinical testing. Allele origin: germline. Affected: yes. Observed: 87 variant alleles.
Comment: BAP1: BP4, BS2

Labcorp Genetics (formerly Invitae), Labcorp
Classification: Benign for BAP1-related tumor predisposition syndrome. Last evaluated: 2026-02-03. Review status: criteria provided, single submitter. Criteria: Invitae Variant Classification Sherloc (09022015). Collection method: clinical testing. Allele origin: germline.

Mayo Clinic Laboratories, Mayo Clinic
Classification: Likely benign. Last evaluated: 2025-06-25. Review status: criteria provided, single submitter. Criteria: ACMG Guidelines, 2015. Collection method: clinical testing. Allele origin: germline. Observed: 2 variant alleles.
Comment: BS1, BP4

Quest Diagnostics Nichols Institute San Juan Capistrano
Classification: Benign. Last evaluated: 2025-06-05. Review status: criteria provided, single submitter. Criteria: Quest Diagnostics criteria. Collection method: clinical testing. Allele origin: unknown.

Center for Genomic Medicine, Rigshospitalet, Copenhagen University Hospital
Classification: Likely benign. Last evaluated: 2025-03-04. Review status: criteria provided, single submitter. Criteria: ACMG Guidelines, 2015. Collection method: clinical testing. Allele origin: germline.

KCCC/NGS Laboratory, Kuwait Cancer Control Center
Classification: Benign for BAP1-related tumor predisposition syndrome. Last evaluated: 2025-02-01. Review status: criteria provided, single submitter. Criteria: ACMG Guidelines, 2015. Collection method: clinical testing. Allele origin: germline. Affected: no.

Blueprint Genetics
Classification: Likely benign. Last evaluated: 2024-11-25. Review status: criteria provided, single submitter. Criteria: ACMG Guidelines, 2015. Collection method: clinical testing. Allele origin: germline.

ARUP Laboratories, Molecular Genetics and Genomics, ARUP Laboratories
Classification: Benign. Last evaluated: 2024-10-08. Review status: criteria provided, single submitter. Criteria: ARUP Molecular Germline Variant Investigation Process 2024. Collection method: clinical testing. Allele origin: germline.

Myriad Genetics, Inc.
Classification: Benign for BAP1-related tumor predisposition syndrome. Last evaluated: 2024-07-18. Review status: criteria provided, single submitter. Criteria: Myriad Autosomal Dominant, Autosomal Recessive and X-Linked Classification Criteria (2023). Collection method: clinical testing. Allele origin: unknown.
Comment: This variant is considered benign. This variant is intronic and is not expected to impact mRNA splicing. This variant has been observed at a population frequency that is significantly greater than expected given the associated disease prevalence and penetrance.

KCCC/NGS Laboratory, Kuwait Cancer Control Center
Classification: Benign for Melanoma, uveal, susceptibility to, 2. Last evaluated: 2023-07-07. Review status: criteria provided, single submitter. Criteria: ACMG Guidelines, 2015. Collection method: clinical testing. Allele origin: germline. Affected: yes.

Department of Pathology and Laboratory Medicine, Sinai Health System
Classification: Benign for Melanoma, uveal, susceptibility to, 2; BAP1-related tumor predisposition syndrome; Kury-Isidor syndrome. Last evaluated: 2022-04-21. Review status: criteria provided, single submitter. Criteria: ACMG Guidelines, 2015. Collection method: clinical testing. Allele origin: germline. Affected: yes.

Institute for Clinical Genetics, University Hospital TU Dresden, University Hospital TU Dresden
Classification: Uncertain significance. Last evaluated: 2021-11-03. Review status: criteria provided, single submitter. Criteria: ACMG Guidelines, 2015. Collection method: clinical testing. Allele origin: germline.

Sema4
Classification: Likely benign for Hereditary cancer-predisposing syndrome. Last evaluated: 2021-03-13. Review status: criteria provided, single submitter. Criteria: Sema4 Curation Guidelines. Collection method: curation. Allele origin: germline.

GeneDx
Classification: Likely benign. Last evaluated: 2017-12-28. Review status: criteria provided, single submitter. Criteria: GeneDx Variant Classification (06012015). Collection method: clinical testing. Allele origin: germline. Affected: yes.
Comment: This variant is considered likely benign or benign based on one or more of the following criteria: it is a conservative change, it occurs at a poorly conserved position in the protein, it is predicted to be benign by multiple in silico algorithms, and/or has population frequency not consistent with disease.

Genetic Services Laboratory, University of Chicago
Classification: Benign. Last evaluated: 2017-12-04. Review status: criteria provided, single submitter. Criteria: ACMG Guidelines, 2015. Collection method: clinical testing. Allele origin: germline. Affected: no.

Color Diagnostics, LLC DBA Color Health
Classification: Benign for Hereditary cancer-predisposing syndrome. Last evaluated: 2016-03-09. Review status: criteria provided, single submitter. Criteria: ACMG Guidelines, 2015. Collection method: clinical testing. Allele origin: germline.

Ambry Genetics
Classification: Benign for Hereditary cancer-predisposing syndrome. Last evaluated: 2015-11-11. Review status: criteria provided, single submitter. Criteria: Ambry Variant Classification Scheme 2023. Collection method: clinical testing. Allele origin: germline.

PreventionGenetics, part of Exact Sciences
Classification: Benign. Review status: criteria provided, single submitter. Criteria: ACMG Guidelines, 2015. Collection method: clinical testing. Allele origin: germline.

Genome Diagnostics Laboratory, Amsterdam University Medical Center
Classification: Benign. Review status: no assertion criteria provided. Collection method: clinical testing. Allele origin: germline. Affected: yes. Study: VKGL Data-share Consensus. Not counted in ClinVar's aggregate classification.

Joint Genome Diagnostic Labs from Nijmegen and Maastricht, Radboudumc and MUMC+
Classification: Likely benign. Review status: no assertion criteria provided. Collection method: clinical testing. Allele origin: germline. Affected: yes. Study: VKGL Data-share Consensus. Not counted in ClinVar's aggregate classification.

Laboratory of Diagnostic Genome Analysis, Leiden University Medical Center (LUMC)
Classification: Likely benign. Review status: no assertion criteria provided. Collection method: clinical testing. Allele origin: germline. Affected: yes. Study: VKGL Data-share Consensus. Not counted in ClinVar's aggregate classification.

Literature cited by the submitters: PubMed 24243779 (cited by Quest Diagnostics Nichols Institute San Juan Capistrano); PubMed 30883995 (cited by Quest Diagnostics Nichols Institute San Juan Capistrano); PubMed 25231345 (cited by Quest Diagnostics Nichols Institute San Juan Capistrano); PubMed 35920959 (cited by Quest Diagnostics Nichols Institute San Juan Capistrano); PubMed 39378214 (cited by Quest Diagnostics Nichols Institute San Juan Capistrano); PubMed 16341802 (cited by Quest Diagnostics Nichols Institute San Juan Capistrano).